The following is an entry in ClinVar:

ClinVar aggregate classification (germline): Benign. Review status: criteria provided, multiple submitters, no conflicts (2 of 4 stars). 3 submissions from 3 submitters: Benign (3). Last evaluated 2024-01-24.

Allele frequency attached by ClinVar (database versions not stated): gnomAD exomes 0.44223; gnomAD 0.52948 and 0.52991; TOPMed 0.55121; 1000 Genomes Project 0.60763; 1000 Genomes Project 30x 0.61056.
gnomAD v4.1: 639,510 of 1,412,930 alleles (45%); highest among the groups gnomAD compares: African/African-American, 72%; 151,548 homozygotes.

Submissions (3):

Unidad de Genómica Garrahan, Hospital de Pediatría Garrahan
Classification: Benign. Last evaluated: 2024-01-24. Review status: criteria provided, single submitter. Criteria: ACMG Guidelines, 2015. Collection method: clinical testing. Allele origin: germline. Affected: no. Observed: 73 variant alleles.
Comment: This variant is classified as Benign based on local population frequency. This variant was detected in 77% of patients studied by a panel of primary immunodeficiencies. Number of patients: 73. Only high quality variants are reported.

GeneDx
Classification: Benign. Last evaluated: 2018-07-09. Review status: criteria provided, single submitter. Criteria: GeneDx Variant Classification Process June 2021. Collection method: clinical testing. Allele origin: germline. Affected: yes.

Breakthrough Genomics
Classification: Benign. Review status: criteria provided, single submitter. Criteria: ACMG Guidelines, 2015. Collection method: not provided. Allele origin: germline. Inheritance: Autosomal recessive inheritance. Affected: yes.

NM_001127198.5(TMC6):c.1887+89G>C

Gene: TMC6 (transmembrane channel like 6; minus strand). Cytogenetic location: 17q25.3.
Variant type: single nucleotide variant.
Coding change: c.1887+89G>C on transcript NM_001127198.5 (MANE Select); 89 bases into the intron after coding-DNA position 1887, G replaced by C.
Molecular consequence: intron variant.
Genome position (GRCh38, 1-based): chr17:78,118,882, C>G on the plus strand (G>C on the coding strand, the complement: TMC6 is on the minus strand). VCF-style: chr17-78118882-C-G. GRCh37 (hg19) VCF-style: chr17-76114963-C-G.
Other names: c.1707+89G>C (NM_001374594.1, NM_001374593.1); c.1887+89G>C (NM_001374596.1, NM_007267.7, NM_001321185.1 and 2 more transcripts).
Identifiers: ClinVar variation 1230962 (VCV001230962.6), dbSNP rs2748430, ClinGen allele CA14388532.